The following is an entry in ClinVar:

ClinVar aggregate classification (germline): Uncertain significance (1 of 4 stars; one submission).

Allele frequency attached by ClinVar (database versions not stated): gnomAD exomes below 0.00001; gnomAD 0.00001.
gnomAD v4.1: 4 of 1,598,324 alleles (0.00025%); highest among the groups gnomAD compares: East Asian, 0.0022%; no homozygotes.

Submission:

Labcorp Genetics (formerly Invitae), Labcorp
Classification: Uncertain significance. Last evaluated: 2021-08-14. Review status: criteria provided, single submitter. Criteria: Invitae Variant Classification Sherloc (09022015). Collection method: clinical testing. Allele origin: germline.
Comment: This sequence change replaces valine with isoleucine at codon 489 of the SZT2 protein (p.Val489Ile). The valine residue is weakly conserved and there is a small physicochemical difference between valine and isoleucine. This variant is not present in population databases (ExAC no frequency). This variant has not been reported in the literature in individuals affected with SZT2-related conditions. Algorithms developed to predict the effect of missense changes on protein structure and function are either unavailable or do not agree on the potential impact of this missense change (SIFT: "Tolerated"; PolyPhen-2: "Probably Damaging"; Align-GVGD: "Class C0"). In summary, the available evidence is currently insufficient to determine the role of this variant in disease. Therefore, it has been classified as a Variant of Uncertain Significance.

NM_001365999.1(SZT2):c.1465G>A (p.Val489Ile)

Gene: SZT2 (SZT2 subunit of KICSTOR complex; plus strand). Cytogenetic location: 1p34.2.
Variant type: single nucleotide variant.
Coding change: c.1465G>A on transcript NM_001365999.1 (MANE Select); coding-DNA position 1465, G replaced by A.
Protein change: p.Val489Ile; replaces valine 489 with isoleucine.
Molecular consequence: missense variant.
Genome position (GRCh38, 1-based): chr1:43,420,952, G>A. VCF-style: chr1-43420952-G-A. GRCh37 (hg19) VCF-style: chr1-43886623-G-A.
Other names: c.1465G>A, p.Val489Ile (NM_015284.4); short protein forms V489I.
Identifiers: ClinVar variation 1402782 (VCV001402782.5), dbSNP rs1221762094, ClinGen allele CA340007788.